The following is an entry in ClinVar:

ClinVar aggregate classification (germline): Uncertain significance (1 of 4 stars; one submission).

Allele frequency attached by ClinVar (database versions not stated): gnomAD exomes below 0.00001; gnomAD 0.00001.
gnomAD v4.1: 20 of 1,614,042 alleles (0.0012%); highest among the groups gnomAD compares: Non-Finnish European, 0.0017%; no homozygotes.

Submission:

GeneDx
Classification: Uncertain significance. Last evaluated: 2021-12-03. Review status: criteria provided, single submitter. Criteria: GeneDx Variant Classification Process June 2021. Collection method: clinical testing. Allele origin: germline. Affected: yes.
Comment: Not observed at significant frequency in large population cohorts (gnomAD); In silico analysis supports that this missense variant has a deleterious effect on protein structure/function; Has not been previously published as pathogenic or benign to our knowledge

NM_002739.5(PRKCG):c.1397T>C (p.Ile466Thr)

Gene: PRKCG (protein kinase C gamma; plus strand). Cytogenetic location: 19q13.42.
Variant type: single nucleotide variant.
Coding change: c.1397T>C on transcript NM_002739.5 (MANE Select); coding-DNA position 1397, T replaced by C.
Protein change: p.Ile466Thr; replaces isoleucine 466 with threonine.
Molecular consequence: missense variant.
Genome position (GRCh38, 1-based): chr19:53,900,442, T>C. VCF-style: chr19-53900442-T-C. GRCh37 (hg19) VCF-style: chr19-54403696-T-C.
Other names: c.1397T>C, p.Ile466Thr (NM_001316329.2); short protein forms I466T.
Identifiers: ClinVar variation 1691201 (VCV001691201.2), dbSNP rs1266612029, ClinGen allele CA407418493.